The following is an entry in ClinVar:

ClinVar aggregate classification (germline): Uncertain significance (1 of 4 stars; one submission).

Conditions:
Ataxia-telangiectasia syndrome (AT). Also called: Ataxia-telangiectasia; AT, COMPLEMENTATION GROUP C; ATAXIA-TELANGIECTASIA, COMPLEMENTATION GROUP A; ATAXIA-TELANGIECTASIA, FRESNO VARIANT; Ataxia-telangiectasia, complementation group E; LOUIS-BAR SYNDROME. Identifiers: Orphanet 100, MedGen C0004135, MONDO:0008840, OMIM 208900.

Submission:

Labcorp Genetics (formerly Invitae), Labcorp
Classification: Uncertain significance for Ataxia-telangiectasia syndrome. Last evaluated: 2022-03-27. Review status: criteria provided, single submitter. Criteria: Invitae Variant Classification Sherloc (09022015). Collection method: clinical testing. Allele origin: germline.
Comment: In summary, the available evidence is currently insufficient to determine the role of this variant in disease. Therefore, it has been classified as a Variant of Uncertain Significance. Advanced modeling of protein sequence and biophysical properties (such as structural, functional, and spatial information, amino acid conservation, physicochemical variation, residue mobility, and thermodynamic stability) performed at Invitae indicates that this missense variant is not expected to disrupt ATM protein function. This variant has not been reported in the literature in individuals affected with ATM-related conditions. This variant is not present in population databases (gnomAD no frequency). This sequence change replaces methionine, which is neutral and non-polar, with leucine, which is neutral and non-polar, at codon 1210 of the ATM protein (p.Met1210Leu).

NM_000051.4(ATM):c.3628A>C (p.Met1210Leu)

Gene: ATM (ATM serine/threonine kinase; plus strand). Cytogenetic location: 11q22.3.
Variant type: single nucleotide variant.
Coding change: c.3628A>C on transcript NM_000051.4 (MANE Select); coding-DNA position 3628, A replaced by C.
Protein change: p.Met1210Leu; replaces methionine 1210 with leucine.
Molecular consequence: missense variant.
Genome position (GRCh38, 1-based): chr11:108,282,761, A>C. VCF-style: chr11-108282761-A-C. GRCh37 (hg19) VCF-style: chr11-108153488-A-C.
Other names: c.3628A>C, p.Met1210Leu (NM_001351834.2); short protein forms M1210L.
Identifiers: ClinVar variation 2118266 (VCV002118266.4), dbSNP rs138212452, ClinGen allele CA382522866.
Genomic context (GRCh38, chr11:108,282,761, plus strand): 5'-TTCGTGCAGGTTTTAGAGAAAGTTTCTGAAACTTTTGGATATAGACGTTTAGAAGACTTT[A>C]TGGCATCTCATTTAGATTATCTGGTTTTGGAATGGCTAAATCTTCAAGATACTGAATACA-3'
Protein context (NP_000042.3, residues 1200-1220): TFGYRRLEDF[Met1210Leu]ASHLDYLVLE